The following is an entry in ClinVar:

NM_024989.4(PGAP1):c.2045T>C (p.Ile682Thr)

Gene: PGAP1 (post-GPI attachment to proteins inositol deacylase 1; minus strand). Cytogenetic location: 2q33.1.
Variant type: single nucleotide variant.
Coding change: c.2045T>C on transcript NM_024989.4 (MANE Select); coding-DNA position 2045, T replaced by C.
Protein change: p.Ile682Thr; replaces isoleucine 682 with threonine.
Molecular consequence: missense variant.
Genome position (GRCh38, 1-based): chr2:196,847,108, A>G on the plus strand (T>C on the coding strand, the complement: PGAP1 is on the minus strand). VCF-style: chr2-196847108-A-G. GRCh37 (hg19) VCF-style: chr2-197711832-A-G.
Other names: c.1523T>C, p.Ile508Thr (NM_001321099.2); c.878T>C, p.Ile293Thr (NM_001321100.2); short protein forms I508T, I293T, I682T.
Identifiers: ClinVar variation 1433406 (VCV001433406.6), dbSNP rs2125778704, ClinGen allele CA350186879.

ClinVar aggregate classification (germline): Uncertain significance (1 of 4 stars; one submission).

Conditions:
Intellectual disability, autosomal recessive 42 (NEDDSBA). Also called: GLYCOSYLPHOSPHATIDYLINOSITOL BIOSYNTHESIS DEFECT 9; Neurodevelopmental disorder with dysmorphic features, spasticity, and brain abnormalities. Identifiers: Orphanet 88616, MedGen C4014343, MONDO:0014348, OMIM 615802.

Submission:

Labcorp Genetics (formerly Invitae), Labcorp
Classification: Uncertain significance for Intellectual disability, autosomal recessive 42. Last evaluated: 2021-12-02. Review status: criteria provided, single submitter. Criteria: Invitae Variant Classification Sherloc (09022015). Collection method: clinical testing. Allele origin: germline.
Comment: In summary, the available evidence is currently insufficient to determine the role of this variant in disease. Therefore, it has been classified as a Variant of Uncertain Significance. This sequence change replaces isoleucine, which is neutral and non-polar, with threonine, which is neutral and polar, at codon 682 of the PGAP1 protein (p.Ile682Thr). This variant is not present in population databases (gnomAD no frequency). This variant has not been reported in the literature in individuals affected with PGAP1-related conditions. Algorithms developed to predict the effect of missense changes on protein structure and function (SIFT, PolyPhen-2, Align-GVGD) all suggest that this variant is likely to be tolerated.